The following is an entry in ClinVar:

NM_133433.4(NIPBL):c.1965G>T (p.Glu655Asp)

Gene: NIPBL (NIPBL cohesin loading factor; plus strand). Cytogenetic location: 5p13.2.
Variant type: single nucleotide variant.
Coding change: c.1965G>T on transcript NM_133433.4 (MANE Select); coding-DNA position 1965, G replaced by T.
Protein change: p.Glu655Asp; replaces glutamic acid 655 with aspartic acid.
Molecular consequence: missense variant.
Genome position (GRCh38, 1-based): chr5:36,985,145, G>T. VCF-style: chr5-36985145-G-T. GRCh37 (hg19) VCF-style: chr5-36985247-G-T.
Other names: p.E655D:GAG>GAT; c.1965G>T, p.Glu655Asp (NM_015384.5); short protein forms E655D.
Identifiers: ClinVar variation 99924 (VCV000099924.63), dbSNP rs80358350, ClinGen allele CA172654.

ClinVar aggregate classification (germline): Benign/Likely benign. Review status: criteria provided, multiple submitters, no conflicts (2 of 4 stars). 11 submissions from 11 submitters: Benign (8); Likely benign (3). Last evaluated 2026-02-03.

Conditions:
Inborn genetic diseases. Identifiers: MedGen C0950123, MeSH D030342.
Cornelia de Lange syndrome 1 (CDLS1). Also called: TYPUS DEGENERATIVUS AMSTELODAMENSIS; Brachmann de Lange syndrome; NIPBL-Related Cornelia de Lange Syndrome. Identifiers: Orphanet 199, MedGen C4551851, MONDO:0007387, OMIM 122470.

Allele frequency attached by ClinVar (database versions not stated): 1000 Genomes Project 30x 0.00250; gnomAD 0.00351 and 0.00379; TOPMed 0.00396; ESP Exome Variant Server 0.00477; 1000 Genomes Project 0.00220.
gnomAD v4.1: 1,033 of 1,613,842 alleles (0.064%); highest among the groups gnomAD compares: African/African-American, 1.2%; 8 homozygotes.

Submissions (11):

Labcorp Genetics (formerly Invitae), Labcorp
Classification: Benign for Cornelia de Lange syndrome 1. Last evaluated: 2026-02-03. Review status: criteria provided, single submitter. Criteria: Invitae Variant Classification Sherloc (09022015). Collection method: clinical testing. Allele origin: germline.

Blueprint Genetics
Classification: Likely benign. Last evaluated: 2024-10-08. Review status: criteria provided, single submitter. Criteria: ACMG Guidelines, 2015. Collection method: clinical testing. Allele origin: germline.

Fulgent Genetics
Classification: Likely benign for Cornelia de Lange syndrome 1. Last evaluated: 2021-09-16. Review status: criteria provided, single submitter. Criteria: ACMG Guidelines, 2015. Collection method: clinical testing. Allele origin: unknown.

Genome-Nilou Lab
Classification: Benign for Cornelia de Lange syndrome 1. Last evaluated: 2021-07-15. Review status: criteria provided, single submitter. Criteria: ACMG Guidelines, 2015. Collection method: clinical testing. Allele origin: germline. Affected: no.

Illumina Laboratory Services, Illumina
Classification: Benign for Cornelia de Lange syndrome 1. Last evaluated: 2018-01-12. Review status: criteria provided, single submitter. Criteria: ICSL Variant Classification Criteria 13 December 2019. Collection method: clinical testing. Allele origin: germline.
Comment: This variant was observed in the ICSL laboratory as part of a predisposition screen in an ostensibly healthy population. It had not been previously curated by ICSL or reported in the Human Gene Mutation Database (HGMD: prior to June 1st, 2018), and was therefore a candidate for classification through an automated scoring system. Utilizing variant allele frequency, disease prevalence and penetrance estimates, and inheritance mode, an automated score was calculated to assess if this variant is too frequent to cause the disease. Based on the score and internal cut-off values, a variant classified as benign is not then subjected to further curation. The score for this variant resulted in a classification of benign for this disease.

Athena Diagnostics
Classification: Benign. Last evaluated: 2017-02-02. Review status: criteria provided, single submitter. Criteria: Athena Diagnostics Criteria. Collection method: clinical testing. Allele origin: germline.

Ambry Genetics
Classification: Benign for Inborn genetic diseases. Last evaluated: 2016-08-30. Review status: criteria provided, single submitter. Criteria: Ambry Variant Classification Scheme 2023. Collection method: clinical testing. Allele origin: germline.

Eurofins Ntd Llc (ga)
Classification: Benign. Last evaluated: 2014-02-28. Review status: criteria provided, single submitter. Criteria: EGL Classification Definitions 2015. Collection method: clinical testing. Allele origin: germline. Observed: 1 variant allele, 1 heterozygote.

GeneDx
Classification: Benign. Last evaluated: 2014-01-13. Review status: criteria provided, single submitter. Criteria: GeneDx Variant Classification (06012015). Collection method: clinical testing. Allele origin: germline. Affected: yes.
Comment: This variant is considered likely benign or benign based on one or more of the following criteria: it is a conservative change, it occurs at a poorly conserved position in the protein, it is predicted to be benign by multiple in silico algorithms, and/or has population frequency not consistent with disease.

Genetic Services Laboratory, University of Chicago
Classification: Benign. Last evaluated: 2013-02-08. Review status: criteria provided, single submitter. Criteria: ACMG Guidelines, 2007. Collection method: clinical testing. Allele origin: germline. Inheritance: Autosomal dominant inheritance.

PreventionGenetics, part of Exact Sciences
Classification: Likely benign. Review status: criteria provided, single submitter. Criteria: ACMG Guidelines, 2015. Collection method: clinical testing. Allele origin: germline.

Literature cited by the submitters: PubMed 26597256 (cited by Athena Diagnostics).